The following is an entry in ClinVar:

NM_000316.3(PTH1R):c.152G>A (p.Arg51Gln)

Gene: PTH1R (parathyroid hormone 1 receptor; plus strand). Cytogenetic location: 3p21.31.
Variant type: single nucleotide variant.
Coding change: c.152G>A on transcript NM_000316.3 (MANE Select); coding-DNA position 152, G replaced by A.
Protein change: p.Arg51Gln; replaces arginine 51 with glutamine.
Molecular consequence: missense variant.
Genome position (GRCh38, 1-based): chr3:46,893,983, G>A. VCF-style: chr3-46893983-G-A. GRCh37 (hg19) VCF-style: chr3-46935473-G-A.
Other names: c.152G>A, p.Arg51Gln (NM_001184744.1); short protein forms R51Q.
Identifiers: ClinVar variation 1918137 (VCV001918137.6), dbSNP rs199621988, ClinGen allele CA73766680.

ClinVar aggregate classification (germline): Uncertain significance. Review status: criteria provided, multiple submitters, no conflicts (2 of 4 stars). 2 submissions from 2 submitters: Uncertain significance (2). Last evaluated 2026-09-01.

gnomAD v4.1: 21 of 1,614,132 alleles (0.0013%); highest among the groups gnomAD compares: Admixed American, 0.0017%; no homozygotes.

Submissions (2):

CeGaT Center for Human Genetics Tuebingen
Classification: Uncertain significance. Last evaluated: 2026-09-01. Review status: criteria provided, single submitter. Criteria: CeGaT Center For Human Genetics Tuebingen Variant Classification Criteria Version 2. Collection method: clinical testing. Allele origin: germline. Affected: yes. Observed: 1 variant allele.
Comment: PTH1R: PM2, BP4

Labcorp Genetics (formerly Invitae), Labcorp
Classification: Uncertain significance. Last evaluated: 2022-11-01. Review status: criteria provided, single submitter. Criteria: Invitae Variant Classification Sherloc (09022015). Collection method: clinical testing. Allele origin: germline.
Comment: In summary, the available evidence is currently insufficient to determine the role of this variant in disease. Therefore, it has been classified as a Variant of Uncertain Significance. Algorithms developed to predict the effect of missense changes on protein structure and function (SIFT, PolyPhen-2, Align-GVGD) all suggest that this variant is likely to be tolerated. This variant has not been reported in the literature in individuals affected with PTH1R-related conditions. This variant is present in population databases (rs199621988, gnomAD 0.003%). This sequence change replaces arginine, which is basic and polar, with glutamine, which is neutral and polar, at codon 51 of the PTH1R protein (p.Arg51Gln).